The following is an entry in ClinVar:

NM_001163435.3(TBCK):c.1900G>A (p.Val634Ile)

Gene: TBCK (TBC1 domain containing kinase; minus strand). Cytogenetic location: 4q24.
Variant type: single nucleotide variant.
Coding change: c.1900G>A on transcript NM_001163435.3 (MANE Select); coding-DNA position 1900, G replaced by A.
Protein change: p.Val634Ile; replaces valine 634 with isoleucine.
Molecular consequence: missense variant.
Genome position (GRCh38, 1-based): chr4:106,193,768, C>T on the plus strand (G>A on the coding strand, the complement: TBCK is on the minus strand). VCF-style: chr4-106193768-C-T. GRCh37 (hg19) VCF-style: chr4-107114925-C-T.
Other names: c.1900G>A, p.Val634Ile (NM_001163436.4); c.1783G>A, p.Val595Ile (NM_001163437.3); c.1384G>A, p.Val462Ile (NM_001290768.2); c.1711G>A, p.Val571Ile (NM_033115.5); short protein forms V571I, V595I, V634I, V462I.
Identifiers: ClinVar variation 1493884 (VCV001493884.6), dbSNP rs2149814303, ClinGen allele CA357821494.

ClinVar aggregate classification (germline): Uncertain significance (1 of 4 stars; one submission).

gnomAD v4.1: 8 of 1,552,712 alleles (0.00052%); highest among the groups gnomAD compares: Non-Finnish European, 0.00069%; no homozygotes.

Submission:

Labcorp Genetics (formerly Invitae), Labcorp
Classification: Uncertain significance. Last evaluated: 2021-12-02. Review status: criteria provided, single submitter. Criteria: Invitae Variant Classification Sherloc (09022015). Collection method: clinical testing. Allele origin: germline.
Comment: This sequence change replaces valine, which is neutral and non-polar, with isoleucine, which is neutral and non-polar, at codon 634 of the TBCK protein (p.Val634Ile). This variant is not present in population databases (gnomAD no frequency). This variant has not been reported in the literature in individuals affected with TBCK-related conditions. Algorithms developed to predict the effect of missense changes on protein structure and function are either unavailable or do not agree on the potential impact of this missense change (SIFT: "Tolerated"; PolyPhen-2: "Possibly Damaging"; Align-GVGD: "Class C0"). In summary, the available evidence is currently insufficient to determine the role of this variant in disease. Therefore, it has been classified as a Variant of Uncertain Significance.